The following is an entry in ClinVar:

NM_005592.4(MUSK):c.2291T>C (p.Ile764Thr)

Gene: MUSK (muscle associated receptor tyrosine kinase; plus strand). Cytogenetic location: 9q31.3.
Variant type: single nucleotide variant.
Coding change: c.2291T>C on transcript NM_005592.4 (MANE Select); coding-DNA position 2291, T replaced by C.
Protein change: p.Ile764Thr; replaces isoleucine 764 with threonine.
Molecular consequence: missense variant.
Genome position (GRCh38, 1-based): chr9:110,800,669, T>C. VCF-style: chr9-110800669-T-C. GRCh37 (hg19) VCF-style: chr9-113562949-T-C.
Other names: c.2033T>C, p.Ile678Thr (NM_001166280.2); c.2003T>C, p.Ile668Thr (NM_001166281.2); c.1031T>C, p.Ile344Thr (NM_001369398.1); short protein forms I764T, I678T, I344T, I668T.
Identifiers: ClinVar variation 432075 (VCV000432075.11), dbSNP rs1554757211, ClinGen allele CA374479077.
Genomic context (GRCh38, chr9:110,800,669, plus strand): 5'-TTGGCCTCTCCAGGAACATCTACTCAGCAGACTACTACAAAGCTAATGAAAACGACGCTA[T>C]CCCTATCCGTTGGATGCCACCAGAGTCCATTTTTTATAACCGCTACACTACAGAGTCTGA-3'
Protein context (NP_005583.1, residues 754-774): DYYKANENDA[Ile764Thr]PIRWMPPESI

ClinVar aggregate classification (germline): Conflicting classifications of pathogenicity. Review status: criteria provided, conflicting classifications (1 of 4 stars). 3 submissions from 3 submitters: Likely pathogenic (1); Uncertain significance (2). Last evaluated 2022-07-12.

Conditions:
Fetal akinesia deformation sequence 1 (FADS1). Also called: Fetal akinesia sequence; Pena-Shokeir syndrome type I. Identifiers: Orphanet 994, MedGen C1276035, MONDO:0100101, OMIM 208150, HP:0001989.
Congenital myasthenic syndrome 9. Also called: Myasthenic syndrome, congenital, 9, associated with acetylcholine receptor deficiency. Identifiers: Orphanet 590, MedGen C4225368, MONDO:0014587, OMIM 616325.

Allele frequency attached by ClinVar (database versions not stated): gnomAD exomes below 0.00001.
gnomAD v4.1: 1 of 1,613,996 alleles (0.000062%); highest among the groups gnomAD compares: African/African-American, 0.0013%; no homozygotes.

Submissions (3):

Labcorp Genetics (formerly Invitae), Labcorp
Classification: Uncertain significance for Congenital myasthenic syndrome 9; Fetal akinesia deformation sequence 1. Last evaluated: 2022-07-12. Review status: criteria provided, single submitter. Criteria: Invitae Variant Classification Sherloc (09022015). Collection method: clinical testing. Allele origin: germline.
Comment: In summary, the available evidence is currently insufficient to determine the role of this variant in disease. Therefore, it has been classified as a Variant of Uncertain Significance. Advanced modeling of protein sequence and biophysical properties (such as structural, functional, and spatial information, amino acid conservation, physicochemical variation, residue mobility, and thermodynamic stability) performed at Invitae indicates that this missense variant is expected to disrupt MUSK protein function. This sequence change replaces isoleucine, which is neutral and non-polar, with threonine, which is neutral and polar, at codon 764 of the MUSK protein (p.Ile764Thr). This variant is not present in population databases (gnomAD no frequency). This variant has not been reported in the literature in individuals affected with MUSK-related conditions. ClinVar contains an entry for this variant (Variation ID: 432075).

Baylor Genetics
Classification: Uncertain significance for Congenital myasthenic syndrome 9. Last evaluated: 2019-09-30. Review status: criteria provided, single submitter. Criteria: ACMG Guidelines, 2015. Collection method: clinical testing. Allele origin: unknown. Affected: yes.
Comment: This variant was determined to be of uncertain significance according to ACMG Guidelines, 2015 [PMID:25741868].

GeneDx
Classification: Likely pathogenic. Last evaluated: 2016-02-09. Review status: criteria provided, single submitter. Criteria: GeneDx Variant Classification (06012015). Collection method: clinical testing. Allele origin: germline. Affected: yes.
Comment: The I764T variant in the MUSK gene has not been reported previously as a pathogenic variant, nor as a benign variant, to our knowledge. The I764T variant was not observed in approximately 6,000 individuals of European and African American ancestry in the NHLBI Exome Sequencing Project, indicating it is not a common benign variant in these populations. The I764T variant is a non-conservative amino acid substitution, which is likely to impact secondary protein structure as these residues differ in polarity, charge, size and/or other properties. This substitution occurs within the protein kinase domain, at a position that is conserved across species. In silico analysis predicts this variant is probably damaging to the protein structure/function. The I764T variant is a strong candidate for a pathogenic variant.However the possibility that I764T may be a rare benign variant cannot be excluded.